The following is an entry in ClinVar:

NM_015272.5(RPGRIP1L):c.1217del (p.Ile406fs)

Gene: RPGRIP1L (RPGRIP1 like; minus strand). Cytogenetic location: 16q12.2.
Variant type: Deletion.
Coding change: c.1217del on transcript NM_015272.5 (MANE Select); coding-DNA position 1217, one base deleted (T; older notation c.1217delT).
Protein change: p.Ile406fs; shifts the reading frame from isoleucine 406.
Molecular consequence: frameshift variant.
Genome position (GRCh38, 1-based): chr16:53,664,896, A deleted on the plus strand (T on the coding strand, the reverse complement: RPGRIP1L is on the minus strand). VCF-style (leftmost placement, unchanged base first): chr16-53664895-GA-G. GRCh37 (hg19) VCF-style: chr16-53698807-GA-G.
Other names: c.1217del, p.Ile406fs (NM_001127897.4, NM_001308334.3, NM_001330538.2); short protein forms I406fs.
Identifiers: ClinVar variation 2096284 (VCV002096284.4), dbSNP rs2544398828, ClinGen allele CA2580091715.

ClinVar aggregate classification (germline): Pathogenic (1 of 4 stars; one submission).

Conditions:
Joubert syndrome. Also called: CEREBELLOPARENCHYMAL DISORDER IV; JOUBERT-BOLTSHAUSER SYNDROME; Familial aplasia of the vermis. Identifiers: Orphanet 475, MedGen C5979921, MONDO:0018772.
Meckel-Gruber syndrome. Also called: DYSENCEPHALIA SPLANCHNOCYSTICA; GRUBER SYNDROME; Dysencephalia splachnocystica. Identifiers: Orphanet 564, MedGen C0265215, MONDO:0018921.

Allele frequency attached by ClinVar (database versions not stated): gnomAD exomes below 0.00001.

Submission:

Labcorp Genetics (formerly Invitae), Labcorp
Classification: Pathogenic for Joubert syndrome; Meckel-Gruber syndrome. Last evaluated: 2026-01-12. Review status: criteria provided, single submitter. Criteria: Invitae Variant Classification Sherloc (09022015). Collection method: clinical testing. Allele origin: germline.
Comment: This sequence change creates a premature translational stop signal (p.Ile406Thrfs*5) in the RPGRIP1L gene. It is expected to result in an absent or disrupted protein product. Loss-of-function variants in RPGRIP1L are known to be pathogenic (PMID: 17558409). This variant is not present in population databases (gnomAD no frequency). This variant has not been reported in the literature in individuals affected with RPGRIP1L-related conditions. ClinVar contains an entry for this variant (Variation ID: 2096284). For these reasons, this variant has been classified as Pathogenic.

Literature cited by the submitters: PubMed 17558409.